The following is an entry in ClinVar:

ClinVar aggregate classification (germline): Likely benign. Review status: criteria provided, multiple submitters, no conflicts (2 of 4 stars). 2 submissions from 2 submitters: Likely benign (2). Last evaluated 2026-08-01.

Conditions:
Kabuki syndrome. Also called: NIIKAWA-KUROKI SYNDROME; Kabuki make-up syndrome. Identifiers: Orphanet 2322, MedGen C0796004, MONDO:0016512.

Allele frequency attached by ClinVar (database versions not stated): TOPMed below 0.00001; gnomAD exomes 0.00002 and 0.00003; ExAC 0.00005.

Submissions (2):

CeGaT Center for Human Genetics Tuebingen
Classification: Likely benign. Last evaluated: 2026-08-01. Review status: criteria provided, single submitter. Criteria: CeGaT Center For Human Genetics Tuebingen Variant Classification Criteria Version 2. Collection method: clinical testing. Allele origin: germline. Affected: yes. Observed: 1 variant allele.
Comment: KMT2D: BP4

Labcorp Genetics (formerly Invitae), Labcorp
Classification: Likely benign for Kabuki syndrome. Last evaluated: 2023-09-29. Review status: criteria provided, single submitter. Criteria: Invitae Variant Classification Sherloc (09022015). Collection method: clinical testing. Allele origin: germline.

NM_003482.4(KMT2D):c.15528C>T (p.His5176=)

Gene: KMT2D (lysine methyltransferase 2D; minus strand). Cytogenetic location: 12q13.12.
Variant type: single nucleotide variant.
Coding change: c.15528C>T on transcript NM_003482.4 (MANE Select); coding-DNA position 15528, C replaced by T.
Protein change: p.His5176=; no amino-acid change (histidine 5176 retained).
Molecular consequence: synonymous variant.
Genome position (GRCh38, 1-based): chr12:49,026,438, G>A on the plus strand (C>T on the coding strand, the complement: KMT2D is on the minus strand). VCF-style: chr12-49026438-G-A. GRCh37 (hg19) VCF-style: chr12-49420221-G-A.
Identifiers: ClinVar variation 759604 (VCV000759604.9), dbSNP rs767516026, ClinGen allele CA6545549.